The following is an entry in ClinVar:

NM_007194.4(CHEK2):c.1365C>G (p.Val455=)

Gene: CHEK2 (checkpoint kinase 2; minus strand). Cytogenetic location: 22q12.1.
Variant type: single nucleotide variant.
Coding change: c.1365C>G on transcript NM_007194.4 (MANE Select); coding-DNA position 1365, C replaced by G.
Protein change: p.Val455=; no amino-acid change (valine 455 retained).
Molecular consequence: synonymous variant.
Genome position (GRCh38, 1-based): chr22:28,695,137, G>C on the plus strand (C>G on the coding strand, the complement: CHEK2 is on the minus strand). VCF-style: chr22-28695137-G-C. GRCh37 (hg19) VCF-style: chr22-29091125-G-C.
Other names: c.1365C>G (NM_007194.3); c.1494C>G, p.Val498= (NM_001005735.3); c.702C>G, p.Val234= (NM_001257387.3); c.1164C>G, p.Val388= (NM_001349956.3); c.1278C>G, p.Val426= (NM_145862.3).
Identifiers: ClinVar variation 1137226 (VCV001137226.12), dbSNP rs1287444894, ClinGen allele CA513944794.

ClinVar aggregate classification (germline): Benign/Likely benign. Review status: criteria provided, multiple submitters, no conflicts (2 of 4 stars). 3 submissions from 3 submitters: Benign (1); Likely benign (2). Last evaluated 2025-07-12.

Conditions:
Hereditary cancer-predisposing syndrome. Also called: Hereditary neoplastic syndrome; Hereditary Cancer Syndrome; Tumor predisposition; Neoplastic Syndromes, Hereditary. Identifiers: Orphanet 140162, MedGen C0027672, MeSH D009386, MONDO:0015356.
Familial cancer of breast. Also called: hereditary breast carcinoma; Hereditary breast cancer; BREAST CANCER, FAMILIAL. Identifiers: Orphanet 227535, MedGen C0346153, MONDO:0016419, OMIM 114480. Disease mechanism: loss of function.

Allele frequency attached by ClinVar (database versions not stated): gnomAD exomes below 0.00001.

Submissions (3):

Ambry Genetics
Classification: Likely benign for Hereditary cancer-predisposing syndrome. Last evaluated: 2025-07-12. Review status: criteria provided, single submitter. Criteria: Ambry Variant Classification Scheme 2023. Collection method: clinical testing. Allele origin: germline.

Myriad Genetics, Inc.
Classification: Benign for Familial cancer of breast. Last evaluated: 2024-10-08. Review status: criteria provided, single submitter. Criteria: Myriad Autosomal Dominant, Autosomal Recessive and X-Linked Classification Criteria (2023). Collection method: clinical testing. Allele origin: unknown.
Comment: This variant is considered benign. This variant is a silent/synonymous amino acid change and it is not expected to impact splicing.

Labcorp Genetics (formerly Invitae), Labcorp
Classification: Likely benign for Familial cancer of breast. Last evaluated: 2022-01-26. Review status: criteria provided, single submitter. Criteria: Invitae Variant Classification Sherloc (09022015). Collection method: clinical testing. Allele origin: germline.